The following is an entry in ClinVar:

NM_032608.7(MYO18B):c.2516G>A (p.Cys839Tyr)

Gene: MYO18B (myosin XVIIIB; plus strand). Cytogenetic location: 22q12.1.
Variant type: single nucleotide variant.
Coding change: c.2516G>A on transcript NM_032608.7 (MANE Select); coding-DNA position 2516, G replaced by A.
Protein change: p.Cys839Tyr; replaces cysteine 839 with tyrosine.
Molecular consequence: missense variant.
Genome position (GRCh38, 1-based): chr22:25,798,092, G>A. VCF-style: chr22-25798092-G-A. GRCh37 (hg19) VCF-style: chr22-26194059-G-A.
Other names: c.2516G>A, p.Cys839Tyr (NM_001318245.2); short protein forms C839Y.
Identifiers: ClinVar variation 3651369 (VCV003651369.2).

ClinVar aggregate classification (germline): Uncertain significance (1 of 4 stars; one submission).

Submission:

Labcorp Genetics (formerly Invitae), Labcorp
Classification: Uncertain significance. Last evaluated: 2024-04-27. Review status: criteria provided, single submitter. Criteria: Invitae Variant Classification Sherloc (09022015). Collection method: clinical testing. Allele origin: germline.
Comment: This sequence change replaces cysteine, which is neutral and slightly polar, with tyrosine, which is neutral and polar, at codon 839 of the MYO18B protein (p.Cys839Tyr). This variant is not present in population databases (gnomAD no frequency). This variant has not been reported in the literature in individuals affected with MYO18B-related conditions. An algorithm developed to predict the effect of missense changes on protein structure and function (PolyPhen-2) suggests that this variant is likely to be disruptive. In summary, the available evidence is currently insufficient to determine the role of this variant in disease. Therefore, it has been classified as a Variant of Uncertain Significance.